The following is an entry in ClinVar:

ClinVar aggregate classification (germline): Uncertain significance (1 of 4 stars; one submission).

Submission:

Labcorp Genetics (formerly Invitae), Labcorp
Classification: Uncertain significance. Last evaluated: 2025-05-09. Review status: criteria provided, single submitter. Criteria: Invitae Variant Classification Sherloc (09022015). Collection method: clinical testing. Allele origin: germline.
Comment: This sequence change replaces isoleucine, which is neutral and non-polar, with serine, which is neutral and polar, at codon 472 of the FAM111A protein (p.Ile472Ser). This variant is not present in population databases (gnomAD no frequency). This variant has not been reported in the literature in individuals affected with FAM111A-related conditions. Invitae Evidence Modeling of protein sequence and biophysical properties (such as structural, functional, and spatial information, amino acid conservation, physicochemical variation, residue mobility, and thermodynamic stability) indicates that this missense variant is expected to disrupt FAM111A protein function with a positive predictive value of 80%. In summary, the available evidence is currently insufficient to determine the role of this variant in disease. Therefore, it has been classified as a Variant of Uncertain Significance.

NM_001312909.2(FAM111A):c.1415T>G (p.Ile472Ser)

Gene: FAM111A (FAM111 trypsin like peptidase A; plus strand). Cytogenetic location: 11q12.1.
Variant type: single nucleotide variant.
Coding change: c.1415T>G on transcript NM_001312909.2 (MANE Select); coding-DNA position 1415, T replaced by G.
Protein change: p.Ile472Ser; replaces isoleucine 472 with serine.
Molecular consequence: missense variant.
Genome position (GRCh38, 1-based): chr11:59,153,083, T>G. VCF-style: chr11-59153083-T-G. GRCh37 (hg19) VCF-style: chr11-58920556-T-G.
Other names: c.1415T>G, p.Ile472Ser (NM_001142519.3, NM_001142520.3, NM_001142521.3 and 29 more transcripts); short protein forms I472S.
Identifiers: ClinVar variation 4745313 (VCV004745313.1).